The following is an entry in ClinVar:

NM_025099.6(CTC1):c.1909A>G (p.Lys637Glu)

Gene: CTC1 (CST telomere replication complex component 1; minus strand). Cytogenetic location: 17p13.1.
Variant type: single nucleotide variant.
Coding change: c.1909A>G on transcript NM_025099.6 (MANE Select); coding-DNA position 1909, A replaced by G.
Protein change: p.Lys637Glu; replaces lysine 637 with glutamic acid.
Molecular consequence: missense variant. On other transcripts: non-coding transcript variant (1).
Genome position (GRCh38, 1-based): chr17:8,232,942, T>C on the plus strand (A>G on the coding strand, the complement: CTC1 is on the minus strand). VCF-style: chr17-8232942-T-C. GRCh37 (hg19) VCF-style: chr17-8136260-T-C.
Other names: short protein forms K637E.
Identifiers: ClinVar variation 1042280 (VCV001042280.4), dbSNP rs773628396, ClinGen allele CA8372239.

ClinVar aggregate classification (germline): Uncertain significance (1 of 4 stars; one submission).

Conditions:
Dyskeratosis congenita. Identifiers: Orphanet 1775, MedGen C0265965, MONDO:0015780.

Allele frequency attached by ClinVar (database versions not stated): gnomAD exomes 0.00001; ExAC 0.00002.
gnomAD v4.1: 8 of 1,614,160 alleles (0.0005%); highest among the groups gnomAD compares: Non-Finnish European, 0.00068%; no homozygotes.

Submission:

Labcorp Genetics (formerly Invitae), Labcorp
Classification: Uncertain significance for Dyskeratosis congenita. Last evaluated: 2023-09-29. Review status: criteria provided, single submitter. Criteria: Invitae Variant Classification Sherloc (09022015). Collection method: clinical testing. Allele origin: germline.
Comment: In summary, the available evidence is currently insufficient to determine the role of this variant in disease. Therefore, it has been classified as a Variant of Uncertain Significance. This sequence change replaces lysine, which is basic and polar, with glutamic acid, which is acidic and polar, at codon 637 of the CTC1 protein (p.Lys637Glu). This variant is present in population databases (rs773628396, gnomAD 0.002%). This variant has not been reported in the literature in individuals affected with CTC1-related conditions. ClinVar contains an entry for this variant (Variation ID: 1042280). Algorithms developed to predict the effect of missense changes on protein structure and function output the following: SIFT: "Not Available"; PolyPhen-2: "Benign"; Align-GVGD: "Not Available". The glutamic acid amino acid residue is found in multiple mammalian species, which suggests that this missense change does not adversely affect protein function.